The following is an entry in ClinVar:

NM_003280.3(TNNC1):c.49A>G (p.Lys17Glu)

Gene: TNNC1 (troponin C1, slow skeletal and cardiac type; minus strand). Cytogenetic location: 3p21.1.
Variant type: single nucleotide variant.
Coding change: c.49A>G on transcript NM_003280.3 (MANE Select); coding-DNA position 49, A replaced by G.
Protein change: p.Lys17Glu; replaces lysine 17 with glutamic acid.
Molecular consequence: missense variant.
Genome position (GRCh38, 1-based): chr3:52,452,489, T>C on the plus strand (A>G on the coding strand, the complement: TNNC1 is on the minus strand). VCF-style: chr3-52452489-T-C. GRCh37 (hg19) VCF-style: chr3-52486505-T-C.
Other names: short protein forms K17E.
Identifiers: ClinVar variation 3775241 (VCV003775241.2).

ClinVar aggregate classification (germline): Uncertain significance. Review status: criteria provided, multiple submitters, no conflicts (2 of 4 stars). 2 submissions from 2 submitters: Uncertain significance (2). Last evaluated 2023-08-02.

Conditions:
Hypertrophic cardiomyopathy 13. Also called: TNNC1-Related Familial Hypertrophic Cardiomyopathy. Identifiers: MedGen C2750472, MONDO:0013195, OMIM 613243.

Submissions (2):

3billion
Classification: Uncertain significance for Hypertrophic cardiomyopathy 13. Last evaluated: 2023-08-02. Review status: criteria provided, single submitter. Criteria: ACMG Guidelines, 2015. Collection method: clinical testing. Allele origin: germline. Affected: yes.
Comment: The variant is not observed in the gnomAD v2.1.1 dataset. Predicted Consequence/Location: Missense changes are a common disease-causing mechanism. In silico tool predictions suggest damaging effect of the variant on gene or gene product [REVEL: 0.75 (>=0.6, sensitivity 0.68 and specificity 0.92); 3Cnet: 0.95 (>=0.6, sensitivity 0.72 and precision 0.9)]. Therefore, this variant is classified as VUS according to the recommendation of ACMG/AMP guideline.

Blueprint Genetics
Classification: Uncertain significance. Last evaluated: 2019-10-25. Review status: criteria provided, single submitter. Criteria: ACMG Guidelines, 2015. Collection method: clinical testing. Allele origin: germline.